The following is an entry in ClinVar:

NM_005026.5(PIK3CD):c.2319C>T (p.Ser773=)

Gene: PIK3CD (phosphatidylinositol-4,5-bisphosphate 3-kinase catalytic subunit delta; plus strand). Cytogenetic location: 1p36.22.
Variant type: single nucleotide variant.
Coding change: c.2319C>T on transcript NM_005026.5 (MANE Select); coding-DNA position 2319, C replaced by T.
Protein change: p.Ser773=; no amino-acid change (serine 773 retained).
Molecular consequence: synonymous variant.
Genome position (GRCh38, 1-based): chr1:9,722,328, C>T. VCF-style: chr1-9722328-C-T. GRCh37 (hg19) VCF-style: chr1-9782386-C-T.
Other names: p.Ser773=; c.2319C>T (LRG_191t1); c.2316C>T, p.Ser772= (NM_001350234.2); c.2232C>T, p.Ser744= (NM_001350235.1).
Identifiers: ClinVar variation 474026 (VCV000474026.25), dbSNP rs139848768, ClinGen allele CA577491.

ClinVar aggregate classification (germline): Benign. Review status: criteria provided, multiple submitters, no conflicts (2 of 4 stars). 6 submissions from 6 submitters: Benign (5). 1 of the submissions does not count toward it. Last evaluated 2026-02-04.

Conditions:
PIK3CD-related disorder. Also called: PIK3CD-related condition.
Immunodeficiency 14 (IMD14A). Also called: IMMUNODEFICIENCY 14A WITH LYMPHOPROLIFERATION, AUTOSOMAL DOMINANT; ACTIVATED PI3K-DELTA SYNDROME 1; p110-DELTA-ACTIVATING MUTATION CAUSING SENESCENT T CELLS, LYMPHADENOPATHY, AND IMMUNODEFICIENCY; Activated PI3K Delta Syndrome Type 1 (APDS1). Identifiers: Orphanet 397596, Orphanet 693661, MedGen C5907821, MONDO:0014222, OMIM 615513.

Allele frequency attached by ClinVar (database versions not stated): gnomAD exomes 0.01046 and 0.01645; ESP Exome Variant Server 0.01307; TOPMed 0.01168; ExAC 0.01085; gnomAD 0.01195 and 0.01183; 1000 Genomes Project 0.00499; 1000 Genomes Project 30x 0.00531.
gnomAD v4.1: 25,621 of 1,612,866 alleles (1.6%); highest among the groups gnomAD compares: Non-Finnish European, 1.9%; 263 homozygotes.

Submissions (6):

Labcorp Genetics (formerly Invitae), Labcorp
Classification: Benign for Activated PI3K-delta syndrome. Last evaluated: 2026-02-04. Review status: criteria provided, single submitter. Criteria: Invitae Variant Classification Sherloc (09022015). Collection method: clinical testing. Allele origin: germline.

Women's Health and Genetics/Laboratory Corporation of America, LabCorp
Classification: Benign. Last evaluated: 2026-01-22. Review status: criteria provided, single submitter. Criteria: LabCorp Variant Classification Summary - May 2015. Collection method: clinical testing. Allele origin: germline.

ARUP Laboratories, Molecular Genetics and Genomics, ARUP Laboratories
Classification: Benign. Last evaluated: 2025-07-30. Review status: criteria provided, single submitter. Criteria: ARUP Molecular Germline Variant Investigation Process 2024. Collection method: clinical testing. Allele origin: germline.

Mayo Clinic Laboratories, Mayo Clinic
Classification: Benign. Last evaluated: 2024-11-08. Review status: criteria provided, single submitter. Criteria: ACMG Guidelines, 2015. Collection method: clinical testing. Allele origin: germline. Observed: 22 variant alleles.
Comment: BS1, BS2, BP4, BP7

Breakthrough Genomics
Classification: Benign. Review status: criteria provided, single submitter. Criteria: ACMG Guidelines, 2015. Collection method: not provided. Allele origin: germline. Inheritance: Autosomal recessive inheritance. Affected: yes.

PreventionGenetics, part of Exact Sciences
Classification: Benign for PIK3CD-related condition. Last evaluated: 2019-09-23. Review status: no assertion criteria provided. Collection method: clinical testing. Allele origin: germline. Not counted in ClinVar's aggregate classification.
Comment: This variant is classified as benign based on ACMG/AMP sequence variant interpretation guidelines (Richards et al. 2015 PMID: 25741868, with internal and published modifications).